The following is an entry in ClinVar:

ClinVar aggregate classification (germline): Uncertain significance (1 of 4 stars; one submission).

Submission:

Greenwood Genetic Center Diagnostic Laboratories, Greenwood Genetic Center
Classification: Uncertain significance. Last evaluated: 2025-01-29. Review status: criteria provided, single submitter. Criteria: ACMG Guidelines, 2015. Collection method: clinical testing. Allele origin: germline.
Comment: Gene of Uncertain Significance

NM_001961.4(EEF2):c.1150+1del

Gene: EEF2 (eukaryotic translation elongation factor 2; minus strand). Cytogenetic location: 19p13.3.
Variant type: Deletion.
Coding change: c.1150+1del on transcript NM_001961.4 (MANE Select); the canonical splice donor site of the intron after coding-DNA position 1150, one base deleted (G; older notation c.1150+1delG).
Molecular consequence: splice donor variant.
Genome position (GRCh38, 1-based): chr19:3,980,840, C deleted on the plus strand (G on the coding strand, the reverse complement: EEF2 is on the minus strand); the first of 3 consecutive C bases (chr19:3,980,840-3,980,842); deleting any one gives the same sequence. VCF-style (leftmost placement, unchanged base first): chr19-3980839-AC-A. GRCh37 (hg19) VCF-style: chr19-3980837-AC-A.
Identifiers: ClinVar variation 4851773 (VCV004851773.1).